The following is an entry in ClinVar:

NM_003000.3(SDHB):c.506A>G (p.Gln169Arg)

Gene: SDHB (succinate dehydrogenase complex iron sulfur subunit B; minus strand). Cytogenetic location: 1p36.13.
Variant type: single nucleotide variant.
Coding change: c.506A>G on transcript NM_003000.3 (MANE Select); coding-DNA position 506, A replaced by G.
Protein change: p.Gln169Arg; replaces glutamine 169 with arginine.
Molecular consequence: missense variant.
Genome position (GRCh38, 1-based): chr1:17,027,783, T>C on the plus strand (A>G on the coding strand, the complement: SDHB is on the minus strand). VCF-style: chr1-17027783-T-C. GRCh37 (hg19) VCF-style: chr1-17354278-T-C.
Other names: c.452A>G, p.Gln151Arg (NM_001407361.1); short protein forms Q151R, Q169R.
Identifiers: ClinVar variation 1810074 (VCV001810074.1), dbSNP rs2525017634, ClinGen allele CA338272611.

ClinVar aggregate classification (germline): Uncertain significance (1 of 4 stars; one submission).

Submission:

GeneDx
Classification: Uncertain significance. Last evaluated: 2022-07-01. Review status: criteria provided, single submitter. Criteria: GeneDx Variant Classification Process June 2021. Collection method: clinical testing. Allele origin: germline. Affected: yes.
Comment: Not observed at significant frequency in large population cohorts (gnomAD); In silico analysis supports that this missense variant does not alter protein structure/function; Has not been previously published as pathogenic or benign to our knowledge